The following is an entry in ClinVar:

ClinVar aggregate classification (germline): Uncertain significance. Review status: criteria provided, multiple submitters, no conflicts (2 of 4 stars). 2 submissions from 2 submitters: Uncertain significance (2). Last evaluated 2024-11-11.

Submissions (2):

GeneDx
Classification: Uncertain significance. Last evaluated: 2024-11-11. Review status: criteria provided, single submitter. Criteria: GeneDx Variant Classification Process June 2021. Collection method: clinical testing. Allele origin: germline. Affected: yes.
Comment: Not observed at significant frequency in large population cohorts (gnomAD); In-frame deletion of 2 amino acids in a non-repeat region; In silico analysis supports a deleterious effect on protein structure/function; Has not been previously published as pathogenic or benign to our knowledge

Labcorp Genetics (formerly Invitae), Labcorp
Classification: Uncertain significance. Last evaluated: 2022-02-09. Review status: criteria provided, single submitter. Criteria: Invitae Variant Classification Sherloc (09022015). Collection method: clinical testing. Allele origin: germline.
Comment: This variant, c.860_865del, results in the deletion of 2 amino acid(s) of the PNPT1 protein (p.Thr287_His288del), but otherwise preserves the integrity of the reading frame. This variant is present in population databases (rs746511890, gnomAD 0.004%). This variant has not been reported in the literature in individuals affected with PNPT1-related conditions. Experimental studies and prediction algorithms are not available or were not evaluated, and the functional significance of this variant is currently unknown. In summary, the available evidence is currently insufficient to determine the role of this variant in disease. Therefore, it has been classified as a Variant of Uncertain Significance.

NM_033109.5(PNPT1):c.860_865del (p.Thr287_His288del)

Gene: PNPT1 (polyribonucleotide nucleotidyltransferase 1; minus strand). Cytogenetic location: 2p16.1.
Variant type: Deletion.
Coding change: c.860_865del on transcript NM_033109.5 (MANE Select); coding-DNA positions 860 to 865, 6 bases deleted (CTCATA; older notation c.860_865delCTCATA).
Protein change: p.Thr287_His288del.
Molecular consequence: inframe deletion.
Genome position (GRCh38, 1-based): chr2:55,672,894-55,672,899, TATGAG deleted on the plus strand (CTCATA on the coding strand, the reverse complement: PNPT1 is on the minus strand); deleting any 6 consecutive bases within chr2:55,672,894-55,672,902 gives the same sequence; the c. name uses the placement nearest the transcript's 3' end. VCF-style (leftmost placement, unchanged base first): chr2-55672893-TTATGAG-T. GRCh37 (hg19) VCF-style: chr2-55900028-TTATGAG-T.
Other names: c.860_865del (NM_033109.4).
Identifiers: ClinVar variation 1898316 (VCV001898316.3), dbSNP rs746511890, ClinGen allele CA1668330.